The following is an entry in ClinVar:

NM_030943.4(AMN):c.967C>T (p.Arg323Trp)

Genes: AMN (amnion associated transmembrane protein; plus strand), LOC130056554 (ATAC-STARR-seq lymphoblastoid silent region 6136; plus strand). Cytogenetic location: 14q32.32.
Variant type: single nucleotide variant.
Coding change: c.967C>T on transcript NM_030943.4 (MANE Select); coding-DNA position 967, C replaced by T.
Protein change: p.Arg323Trp; replaces arginine 323 with tryptophan.
Molecular consequence: missense variant.
Genome position (GRCh38, 1-based): chr14:102,930,047, C>T. VCF-style: chr14-102930047-C-T. GRCh37 (hg19) VCF-style: chr14-103396384-C-T.
Other names: short protein forms R323W.
Identifiers: ClinVar variation 2165197 (VCV002165197.1), dbSNP rs759940999, ClinGen allele CA7360042.

ClinVar aggregate classification (germline): Uncertain significance (1 of 4 stars; one submission).

Conditions:
Imerslund-Grasbeck syndrome. Also called: ENTEROCYTE COBALAMIN MALABSORPTION; ENTEROCYTE INTRINSIC FACTOR RECEPTOR, DEFECT OF; Megaloblastic anemia due to inborn errors of metabolism; Imerslund-Gräsbeck syndrome; PERNICIOUS ANEMIA, JUVENILE, DUE TO SELECTIVE INTESTINAL MALABSORPTION OF VITAMIN B12, WITH PROTEINURIA. Identifiers: Orphanet 35858, MedGen C4551825, MONDO:0009853.

Submission:

Labcorp Genetics (formerly Invitae), Labcorp
Classification: Uncertain significance for Imerslund-Grasbeck syndrome. Last evaluated: 2022-07-06. Review status: criteria provided, single submitter. Criteria: Invitae Variant Classification Sherloc (09022015). Collection method: clinical testing. Allele origin: germline.
Comment: This sequence change replaces arginine, which is basic and polar, with tryptophan, which is neutral and slightly polar, at codon 323 of the AMN protein (p.Arg323Trp). This variant is present in population databases (rs759940999, gnomAD 0.008%). This variant has not been reported in the literature in individuals affected with AMN-related conditions. Algorithms developed to predict the effect of missense changes on protein structure and function are either unavailable or do not agree on the potential impact of this missense change (SIFT: "Deleterious"; PolyPhen-2: "Probably Damaging"; Align-GVGD: "Class C15"). In summary, the available evidence is currently insufficient to determine the role of this variant in disease. Therefore, it has been classified as a Variant of Uncertain Significance.